The following is an entry in ClinVar:

ClinVar aggregate classification (germline): Uncertain significance (1 of 4 stars; one submission).

Conditions:
Familial thoracic aortic aneurysm and aortic dissection (TAAD). Also called: Thoracic aortic aneurysms and dissections. Identifiers: Orphanet 91387, MedGen C4707243, MONDO:0019625.

Allele frequency attached by ClinVar (database versions not stated): gnomAD 0.00001; TOPMed 0.00001.
gnomAD v4.1: 2 of 1,613,990 alleles (0.00012%); highest among the groups gnomAD compares: African/African-American, 0.0027%; no homozygotes.

Submission:

Ambry Genetics
Classification: Uncertain significance for Familial thoracic aortic aneurysm and aortic dissection. Last evaluated: 2016-01-12. Review status: criteria provided, single submitter. Criteria: Ambry Variant Classification Scheme 2023. Collection method: clinical testing. Allele origin: germline.
Comment: The p.H4Y variant (also known as c.10C>T), located in coding exon 1 of the TGFB3 gene, results from a C to T substitution at nucleotide position 10. The histidine at codon 4 is replaced by tyrosine, an amino acid with similar properties. This variant was not reported in population based cohorts in the following databases: Database of Single Nucleotide Polymorphisms (dbSNP), NHLBI Exome Sequencing Project (ESP), and 1000 Genomes Project. In the ESP, this variant was not observed in 6503 samples (13006 alleles) with coverage at this position. This amino acid position is not well conserved in available vertebrate species and tyrosine is the reference amino acid in other species. In addition, this alteration is predicted to be tolerated by in silico analysis. Since supporting evidence is limited at this time, the clinical significance of this variant remains unclear.

NM_003239.5(TGFB3):c.10C>T (p.His4Tyr)

Gene: TGFB3 (transforming growth factor beta 3; minus strand). Cytogenetic location: 14q24.3.
Variant type: single nucleotide variant.
Coding change: c.10C>T on transcript NM_003239.5 (MANE Select); coding-DNA position 10, C replaced by T.
Protein change: p.His4Tyr; replaces histidine 4 with tyrosine.
Molecular consequence: missense variant.
Genome position (GRCh38, 1-based): chr14:75,980,884, G>A on the plus strand (C>T on the coding strand, the complement: TGFB3 is on the minus strand). VCF-style: chr14-75980884-G-A. GRCh37 (hg19) VCF-style: chr14-76447227-G-A.
Other names: c.10C>T, p.His4Tyr (NM_001329938.2, NM_001329939.2); short protein forms H4Y.
Identifiers: ClinVar variation 520202 (VCV000520202.5), dbSNP rs997664741, ClinGen allele CA263712387.